The following is an entry in ClinVar:

ClinVar aggregate classification (germline): Pathogenic. Review status: reviewed by expert panel (3 of 4 stars). 10 submissions from 10 submitters: Pathogenic (1). 9 of the submissions do not count toward it. Last evaluated 2016-09-08.

Conditions:
Hereditary cancer-predisposing syndrome. Also called: Hereditary Cancer Syndrome; Hereditary neoplastic syndrome; Neoplastic Syndromes, Hereditary; Tumor predisposition. Identifiers: Orphanet 140162, MedGen C0027672, MeSH D009386, MONDO:0015356.
Breast-ovarian cancer, familial, susceptibility to, 1 (BROVCA1). Also called: BRCA1 Hereditary Breast and Ovarian Cancer; OVARIAN CANCER, SUSCEPTIBILITY TO. Identifiers: Orphanet 145, MedGen C2676676, MONDO:0011450, OMIM 604370. Disease mechanism: loss of function.
Familial cancer of breast. Also called: hereditary breast carcinoma; BREAST CANCER, FAMILIAL; Hereditary breast cancer. Identifiers: Orphanet 227535, MedGen C0346153, MONDO:0016419, OMIM 114480. Disease mechanism: loss of function.
Fanconi anemia, complementation group S (FANCS). Identifiers: MedGen C4554406, MONDO:0054748, OMIM 617883.
Hereditary breast ovarian cancer syndrome. Also called: BRCA1- and BRCA2-Associated Hereditary Breast and Ovarian Cancer; Hereditary breast and ovarian cancer syndrome; Hereditary breast and ovarian cancer syndrome (HBOC); Breast and ovarian cancer; Hereditary breast and/or ovarian cancer syndrome; Hereditary breast and ovarian cancer. Identifiers: Orphanet 145, MedGen C0677776, MeSH D061325, MONDO:0003582. Disease mechanism: loss of function.

Submissions (10):

Evidence-based Network for the Interpretation of Germline Mutant Alleles (ENIGMA)
Classification: Pathogenic for Breast-ovarian cancer, familial, susceptibility to, 1. Last evaluated: 2016-09-08. Review status: reviewed by expert panel. Criteria: ENIGMA BRCA1/2 Classification Criteria (2015). Collection method: curation. Allele origin: germline.
Comment: Variant allele predicted to encode a truncated non-functional protein.

Ambry Genetics
Classification: Pathogenic for Hereditary cancer-predisposing syndrome. Last evaluated: 2025-12-15. Review status: criteria provided, single submitter. Criteria: Ambry Variant Classification Scheme 2023. Collection method: clinical testing. Allele origin: germline. Not counted in ClinVar's aggregate classification.
Comment: The c.406dupA pathogenic mutation, located in coding exon 5 of the BRCA1 gene, results from a duplication of A at nucleotide position 406, causing a translational frameshift with a predicted alternate stop codon (p.R136Kfs*6). This variant is considered to be rare based on population cohorts in the Genome Aggregation Database (gnomAD). This alteration is expected to result in loss of function by premature protein truncation or nonsense-mediated mRNA decay. As such, this alteration is interpreted as a disease-causing mutation.

Quest Diagnostics Nichols Institute San Juan Capistrano
Classification: Pathogenic. Last evaluated: 2024-07-28. Review status: criteria provided, single submitter. Criteria: Quest Diagnostics criteria. Collection method: clinical testing. Allele origin: unknown. Not counted in ClinVar's aggregate classification.
Comment: The BRCA1 c.406dup (p.Arg136Lysfs*6) variant alters the translational reading frame of the BRCA1 mRNA and causes the premature termination of BRCA1 protein synthesis. This variant has been reported in the published literature in individuals with ovarian cancer (PMID: 10880552 (2000)) and breast cancer (PMID: 32885271 (2021)). This variant has not been reported in large, multi-ethnic general populations (Genome Aggregation Database). Based on the available information, this variant is classified as pathogenic.

Labcorp Genetics (formerly Invitae), Labcorp
Classification: Pathogenic for Hereditary breast ovarian cancer syndrome. Last evaluated: 2024-02-02. Review status: criteria provided, single submitter. Criteria: Invitae Variant Classification Sherloc (09022015). Collection method: clinical testing. Allele origin: germline. Not counted in ClinVar's aggregate classification.
Comment: This sequence change creates a premature translational stop signal (p.Arg136Lysfs*6) in the BRCA1 gene. It is expected to result in an absent or disrupted protein product. Loss-of-function variants in BRCA1 are known to be pathogenic (PMID: 20104584). This variant is not present in population databases (gnomAD no frequency). This premature translational stop signal has been observed in individual(s) with breast cancer (PMID: 10880552). This variant is also known as 525insA. ClinVar contains an entry for this variant (Variation ID: 55095). For these reasons, this variant has been classified as Pathogenic.

Baylor Genetics
Classification: Pathogenic for Breast-ovarian cancer, familial, susceptibility to, 1. Last evaluated: 2024-01-10. Review status: criteria provided, single submitter. Criteria: ACMG Guidelines, 2015. Collection method: clinical testing. Allele origin: unknown. Not counted in ClinVar's aggregate classification.

Mayo Clinic Laboratories, Mayo Clinic
Classification: Pathogenic. Last evaluated: 2023-12-29. Review status: criteria provided, single submitter. Criteria: ACMG Guidelines, 2015. Collection method: clinical testing. Allele origin: germline. Observed: 1 variant allele. Not counted in ClinVar's aggregate classification.
Comment: PP1, PM5_strong, PVS1

Department of Pathology and Laboratory Medicine, Sinai Health System
Classification: Pathogenic for Familial cancer of breast; Breast-ovarian cancer, familial, susceptibility to, 1; Fanconi anemia, complementation group S. Last evaluated: 2018-04-16. Review status: criteria provided, single submitter. Criteria: ACMG Guidelines, 2015. Collection method: clinical testing. Allele origin: germline. Affected: yes. Not counted in ClinVar's aggregate classification.

GeneDx
Classification: Pathogenic. Last evaluated: 2016-01-08. Review status: criteria provided, single submitter. Criteria: GeneDx Variant Classification (06012015). Collection method: clinical testing. Allele origin: germline. Affected: yes. Not counted in ClinVar's aggregate classification.
Comment: This duplication of one nucleotide in BRCA1 is denoted c.406dupA at the cDNA level and p.Arg136LysfsX6 (R136KfsX6) at the protein level. This variant is also known as BRCA1 525insA using alternate nomenclature. The normal sequence, with the base that is duplicated in braces, is CAAA[A]GACT. The duplication causes a frameshift, which changes an Arginine to a Lysine at codon 136, and creates a premature stop codon at position 6 of the new reading frame. This variant is predicted to cause loss of normal protein function through either protein truncation or nonsense-mediated mRNA decay. BRCA1 c.406dupA has been observed in association with ovarian cancer (Werness 2000). We consider this variant to be pathogenic.

Consortium of Investigators of Modifiers of BRCA1/2 (CIMBA), c/o University of Cambridge
Classification: Pathogenic for Breast-ovarian cancer, familial, susceptibility to, 1. Last evaluated: 2015-10-02. Review status: criteria provided, single submitter. Criteria: CIMBA Mutation Classification guidelines May 2016. Collection method: clinical testing. Allele origin: germline. Not counted in ClinVar's aggregate classification.

Breast Cancer Information Core (BIC) (BRCA1)
Classification: Pathogenic for Breast-ovarian cancer, familial 1. Last evaluated: 1998-11-23. Review status: no assertion criteria provided. Collection method: clinical testing. Allele origin: germline. Affected: yes. Observed: 5 variant alleles. Not counted in ClinVar's aggregate classification.

Literature cited by the submitters: PubMed 10880552 (cited by 5 submitters); PubMed 17688236 (cited by Ambry Genetics); PubMed 32885271 (cited by Quest Diagnostics Nichols Institute San Juan Capistrano and Mayo Clinic Laboratories, Mayo Clinic); PubMed 32090079 (cited by Quest Diagnostics Nichols Institute San Juan Capistrano); PubMed 29446198 (cited by Quest Diagnostics Nichols Institute San Juan Capistrano); PubMed 20104584 (cited by Labcorp Genetics (formerly Invitae), Labcorp); PubMed 11748305 (cited by Department of Pathology and Laboratory Medicine, Sinai Health System); PubMed 16267036 (cited by Department of Pathology and Laboratory Medicine, Sinai Health System); PubMed 12655515 (cited by Department of Pathology and Laboratory Medicine, Sinai Health System).

NM_007294.4(BRCA1):c.406dup (p.Arg136fs)

Gene: BRCA1 (BRCA1 DNA repair associated; minus strand). Cytogenetic location: 17q21.31.
Variant type: Duplication.
Coding change: c.406dup on transcript NM_007294.4 (MANE Select); coding-DNA position 406, one base duplicated (A; older notation c.406dupA).
Protein change: p.Arg136fs; shifts the reading frame from arginine 136.
Molecular consequence: frameshift variant. On other transcripts: non-coding transcript variant (1).
Genome position (GRCh38, 1-based): chr17:43,104,157, T duplicated on the plus strand (A on the coding strand, the reverse complement: BRCA1 is on the minus strand); the first of 4 consecutive T bases (chr17:43,104,157-43,104,160); duplicating any one gives the same sequence. VCF-style (leftmost placement, unchanged base first): chr17-43104156-C-CT. GRCh37 (hg19) VCF-style: chr17-41256173-C-CT.
Other names: 525insA; p.Arg136Lysfs*6; c.406dupA (NM_007294.3); c.403dup, p.Arg136Lysfs (NM_001408407.1, NM_001408418.1, NM_001408419.1 and 163 more transcripts); c.394dup, p.Arg133Lysfs (NM_001408408.1, NM_001407646.1, NM_001407647.1); c.325dup, p.Arg110Lysfs (NM_001408409.1, NM_001408411.1, NM_001408412.1 and 21 more transcripts); c.262dup, p.Arg89Lysfs (NM_001408410.1, NM_001408452.1, NM_001408453.1 and 98 more transcripts); c.193dup, p.Arg66Lysfs (NM_001407571.1, NM_001408478.1, NM_001408479.1 and 58 more transcripts); and 4 more; short protein forms R136fs, R89fs.
Identifiers: ClinVar variation 55095 (VCV000055095.22), dbSNP rs80357709, ClinGen allele CA002596.